The following is an entry in ClinVar:

NM_005529.7(HSPG2):c.4719C>G (p.His1573Gln)

Gene: HSPG2 (heparan sulfate proteoglycan 2; minus strand). Cytogenetic location: 1p36.12.
Variant type: single nucleotide variant.
Coding change: c.4719C>G on transcript NM_005529.7 (MANE Select); coding-DNA position 4719, C replaced by G.
Protein change: p.His1573Gln; replaces histidine 1573 with glutamine.
Molecular consequence: missense variant.
Genome position (GRCh38, 1-based): chr1:21,864,121, G>C on the plus strand (C>G on the coding strand, the complement: HSPG2 is on the minus strand). VCF-style: chr1-21864121-G-C. GRCh37 (hg19) VCF-style: chr1-22190614-G-C.
Other names: c.4722C>G, p.His1574Gln (NM_001291860.2); short protein forms H1573Q, H1574Q.
Identifiers: ClinVar variation 2181027 (VCV002181027.1), dbSNP rs1410103879, ClinGen allele CA338952695.

ClinVar aggregate classification (germline): Uncertain significance (1 of 4 stars; one submission).

Submission:

Labcorp Genetics (formerly Invitae), Labcorp
Classification: Uncertain significance. Last evaluated: 2021-12-19. Review status: criteria provided, single submitter. Criteria: Invitae Variant Classification Sherloc (09022015). Collection method: clinical testing. Allele origin: germline.
Comment: This sequence change replaces histidine, which is basic and polar, with glutamine, which is neutral and polar, at codon 1573 of the HSPG2 protein (p.His1573Gln). This variant is not present in population databases (gnomAD no frequency). This variant has not been reported in the literature in individuals affected with HSPG2-related conditions. Algorithms developed to predict the effect of missense changes on protein structure and function are either unavailable or do not agree on the potential impact of this missense change (SIFT: "Deleterious"; PolyPhen-2: "Probably Damaging"; Align-GVGD: "Class C0"). In summary, the available evidence is currently insufficient to determine the role of this variant in disease. Therefore, it has been classified as a Variant of Uncertain Significance.